The following is an entry in ClinVar:

NM_001903.5(CTNNA1):c.914T>G (p.Leu305Arg)

Gene: CTNNA1 (catenin alpha 1; plus strand). Cytogenetic location: 5q31.2.
Variant type: single nucleotide variant.
Coding change: c.914T>G on transcript NM_001903.5 (MANE Select); coding-DNA position 914, T replaced by G.
Protein change: p.Leu305Arg; replaces leucine 305 with arginine.
Molecular consequence: missense variant.
Genome position (GRCh38, 1-based): chr5:138,827,570, T>G. VCF-style: chr5-138827570-T-G. GRCh37 (hg19) VCF-style: chr5-138163259-T-G.
Other names: c.914T>G, p.Leu305Arg (NM_001290307.3, NM_001323982.2, NM_001323983.1 and 3 more transcripts); c.605T>G, p.Leu202Arg (NM_001290309.3); c.545T>G, p.Leu182Arg (NM_001290310.3); short protein forms L202R, L182R, L305R.
Identifiers: ClinVar variation 1449430 (VCV001449430.6), dbSNP rs1760848142, ClinGen allele CA361130817.

ClinVar aggregate classification (germline): Uncertain significance (1 of 4 stars; one submission).

Submission:

Labcorp Genetics (formerly Invitae), Labcorp
Classification: Uncertain significance. Last evaluated: 2024-02-23. Review status: criteria provided, single submitter. Criteria: Invitae Variant Classification Sherloc (09022015). Collection method: clinical testing. Allele origin: germline.
Comment: This sequence change replaces leucine, which is neutral and non-polar, with arginine, which is basic and polar, at codon 305 of the CTNNA1 protein (p.Leu305Arg). This variant is not present in population databases (gnomAD no frequency). This variant has not been reported in the literature in individuals affected with CTNNA1-related conditions. ClinVar contains an entry for this variant (Variation ID: 1449430). Advanced modeling of protein sequence and biophysical properties (such as structural, functional, and spatial information, amino acid conservation, physicochemical variation, residue mobility, and thermodynamic stability) performed at Invitae indicates that this missense variant is expected to disrupt CTNNA1 protein function with a positive predictive value of 80%. In summary, the available evidence is currently insufficient to determine the role of this variant in disease. Therefore, it has been classified as a Variant of Uncertain Significance.